The following is an entry in ClinVar:

ClinVar aggregate classification (germline): Likely benign (0 of 4 stars; one submission).

Conditions:
NRROS-related disorder. Also called: NRROS-related condition.

Allele frequency attached by ClinVar (database versions not stated): 1000 Genomes Project 30x 0.00094; 1000 Genomes Project 0.00100.
gnomAD v4.1: 3,815 of 1,613,786 alleles (0.24%); highest among the groups gnomAD compares: Non-Finnish European, 0.28%; 12 homozygotes.

Submission:

PreventionGenetics, part of Exact Sciences
Classification: Likely benign for NRROS-related condition. Last evaluated: 2022-04-20. Review status: no assertion criteria provided. Collection method: clinical testing. Allele origin: germline.
Comment: This variant is classified as likely benign based on ACMG/AMP sequence variant interpretation guidelines (Richards et al. 2015 PMID: 25741868, with internal and published modifications).

NM_198565.3(NRROS):c.1888G>T (p.Val630Leu)

Gene: NRROS (negative regulator of reactive oxygen species; plus strand). Cytogenetic location: 3q29.
Variant type: single nucleotide variant.
Coding change: c.1888G>T on transcript NM_198565.3 (MANE Select); coding-DNA position 1888, G replaced by T.
Protein change: p.Val630Leu; replaces valine 630 with leucine.
Molecular consequence: missense variant.
Genome position (GRCh38, 1-based): chr3:196,661,531, G>T. VCF-style: chr3-196661531-G-T. GRCh37 (hg19) VCF-style: chr3-196388402-G-T.
Other names: short protein forms V630L.
Identifiers: ClinVar variation 3035767 (VCV003035767.2), dbSNP rs78670696, ClinGen allele CA2782003.